The following is an entry in ClinVar:

ClinVar aggregate classification (germline): Uncertain significance (1 of 4 stars; one submission).

gnomAD v4.1: 1 of 1,614,166 alleles (0.000062%); highest among the groups gnomAD compares: Non-Finnish European, 0.000085%; no homozygotes.

Submission:

Labcorp Genetics (formerly Invitae), Labcorp
Classification: Uncertain significance. Last evaluated: 2022-04-12. Review status: criteria provided, single submitter. Criteria: Invitae Variant Classification Sherloc (09022015). Collection method: clinical testing. Allele origin: germline.
Comment: Algorithms developed to predict the effect of sequence changes on RNA splicing suggest that this variant may create or strengthen a splice site. Algorithms developed to predict the effect of missense changes on protein structure and function (SIFT, PolyPhen-2, Align-GVGD) all suggest that this variant is likely to be disruptive. This variant has not been reported in the literature in individuals affected with TRPM1-related conditions. This variant is not present in population databases (gnomAD no frequency). This sequence change replaces glycine, which is neutral and non-polar, with cysteine, which is neutral and slightly polar, at codon 106 of the TRPM1 protein (p.Gly106Cys). In summary, the available evidence is currently insufficient to determine the role of this variant in disease. Therefore, it has been classified as a Variant of Uncertain Significance.

NM_001252024.2(TRPM1):c.382G>T (p.Gly128Cys)

Gene: TRPM1 (transient receptor potential cation channel subfamily M member 1; minus strand). Cytogenetic location: 15q13.3.
Variant type: single nucleotide variant.
Coding change: c.382G>T on transcript NM_001252024.2 (MANE Select); coding-DNA position 382, G replaced by T.
Protein change: p.Gly128Cys; replaces glycine 128 with cysteine.
Molecular consequence: missense variant.
Genome position (GRCh38, 1-based): chr15:31,067,990, C>A on the plus strand (G>T on the coding strand, the complement: TRPM1 is on the minus strand). VCF-style: chr15-31067990-C-A. GRCh37 (hg19) VCF-style: chr15-31360193-C-A.
Other names: c.433G>T, p.Gly145Cys (NM_001252020.2); c.316G>T, p.Gly106Cys (NM_002420.6); short protein forms G106C, G145C, G128C.
Identifiers: ClinVar variation 2125269 (VCV002125269.4), dbSNP rs1442947519, ClinGen allele CA391534728.